The following is an entry in ClinVar:

ClinVar aggregate classification (germline): Uncertain significance (1 of 4 stars; one submission).

gnomAD v4.1: 2 of 1,611,126 alleles (0.00012%); highest among the groups gnomAD compares: African/African-American, 0.0013%; no homozygotes.

Submission:

GeneDx
Classification: Uncertain significance. Last evaluated: 2024-04-22. Review status: criteria provided, single submitter. Criteria: GeneDx Variant Classification Process June 2021. Collection method: clinical testing. Allele origin: germline. Affected: yes.
Comment: In silico analysis supports that this missense variant has a deleterious effect on protein structure/function; Has not been previously published as pathogenic or benign to our knowledge

NM_005529.7(HSPG2):c.3404C>A (p.Pro1135Gln)

Gene: HSPG2 (heparan sulfate proteoglycan 2; minus strand). Cytogenetic location: 1p36.12.
Variant type: single nucleotide variant.
Coding change: c.3404C>A on transcript NM_005529.7 (MANE Select); coding-DNA position 3404, C replaced by A.
Protein change: p.Pro1135Gln; replaces proline 1135 with glutamine.
Molecular consequence: missense variant.
Genome position (GRCh38, 1-based): chr1:21,874,901, G>T on the plus strand (C>A on the coding strand, the complement: HSPG2 is on the minus strand). VCF-style: chr1-21874901-G-T. GRCh37 (hg19) VCF-style: chr1-22201394-G-T.
Other names: c.3407C>A, p.Pro1136Gln (NM_001291860.2); short protein forms P1135Q, P1136Q.
Identifiers: ClinVar variation 3369902 (VCV003369902.1).